The following is an entry in ClinVar:

ClinVar aggregate classification (germline): Benign (1 of 4 stars; one submission).

Allele frequency attached by ClinVar (database versions not stated): 1000 Genomes Project 30x 0.00078; 1000 Genomes Project 0.00100; gnomAD 0.00265; gnomAD exomes 0.00267; TOPMed 0.00274.
gnomAD v4.1: 852 of 320,762 alleles (0.27%); highest among the groups gnomAD compares: Non-Finnish European, 0.44%; 4 homozygotes.

Submission:

CeGaT Center for Human Genetics Tuebingen
Classification: Benign. Last evaluated: 2022-07-01. Review status: criteria provided, single submitter. Criteria: CeGaT Center For Human Genetics Tuebingen Variant Classification Criteria Version 2. Collection method: clinical testing. Allele origin: germline. Affected: yes. Observed: 4 variant alleles.
Comment: MYH14: BS1, BS2

NM_001145809.2(MYH14):c.973+333G>A

Gene: MYH14 (myosin heavy chain 14; plus strand). Cytogenetic location: 19q13.33.
Variant type: single nucleotide variant.
Coding change: c.973+333G>A on transcript NM_001145809.2 (MANE Select); 333 bases into the intron after coding-DNA position 973, G replaced by A.
Molecular consequence: intron variant.
Genome position (GRCh38, 1-based): chr19:50,230,956, G>A. VCF-style: chr19-50230956-G-A. GRCh37 (hg19) VCF-style: chr19-50734213-G-A.
Other names: c.973+333G>A (NM_001077186.2); c.949+333G>A (NM_024729.4).
Identifiers: ClinVar variation 1701369 (VCV001701369.31), dbSNP rs546221244, ClinGen allele CA309583569.